The following is an entry in ClinVar:

NM_001042492.3(NF1):c.1642-8A>G

Gene: NF1 (neurofibromin 1; plus strand). Cytogenetic location: 17q11.2.
Variant type: single nucleotide variant.
Coding change: c.1642-8A>G on transcript NM_001042492.3 (MANE Select); 8 bases into the intron before coding-DNA position 1642, A replaced by G.
Molecular consequence: intron variant.
Genome position (GRCh38, 1-based): chr17:31,221,842, A>G. VCF-style: chr17-31221842-A-G. GRCh37 (hg19) VCF-style: chr17-29548860-A-G.
Other names: IVS11, A-G, -8; c.1642-8A>G (NM_000267.4, NM_001128147.3).
Identifiers: ClinVar variation 352 (VCV000000352.3), dbSNP rs267606602, ClinGen allele CA114185.

ClinVar aggregate classification (germline): Pathogenic. Review status: criteria provided, multiple submitters, no conflicts (2 of 4 stars). 5 submissions from 4 submitters: Pathogenic (3). 2 of the submissions do not count toward it. Last evaluated 2025-02-25.

Conditions:
Juvenile myelomonocytic leukemia (JMML). Also called: LEUKEMIA, JUVENILE MYELOMONOCYTIC, SOMATIC. Identifiers: Orphanet 86834, MedGen C0349639, MONDO:0011908, OMIM 607785, HP:0012209.
Neurofibromatosis, type 1 (NF1). Also called: VON RECKLINGHAUSEN DISEASE; NEUROFIBROMATOSIS, TYPE I, SOMATIC; Peripheral type neurofibromatosis; Neurofibromatosis, type I. Identifiers: Orphanet 636, MedGen C0027831, MONDO:0018975, OMIM 162200. Disease mechanism: loss of function.

Submissions (5):

GeneDx
Classification: Pathogenic. Last evaluated: 2025-02-25. Review status: criteria provided, single submitter. Criteria: GeneDx Variant Classification Process June 2021. Collection method: clinical testing. Allele origin: germline. Affected: yes.
Comment: Not observed at significant frequency in large population cohorts (gnomAD); This variant is associated with the following publications: (PMID: 9639526, 9180088, 32126153, 36980803, 10712197, 37751797)

Medical Genetics, University of Parma
Classification: Pathogenic for Neurofibromatosis, type 1. Last evaluated: 2022-08-17. Review status: criteria provided, single submitter. Criteria: ACMG Guidelines, 2015. Collection method: clinical testing. Allele origin: germline. Inheritance: Autosomal dominant inheritance. Affected: yes.

Center for Human Genetics, Inc
Classification: Pathogenic for Neurofibromatosis, type 1. Last evaluated: 2016-11-01. Review status: criteria provided, single submitter. Criteria: ACMG Guidelines, 2015. Collection method: clinical testing. Allele origin: germline. Affected: yes.

OMIM
Classification: Pathogenic for LEUKEMIA, JUVENILE MYELOMONOCYTIC. Last evaluated: 1998-07-01. Review status: no assertion criteria provided. Collection method: literature only. Allele origin: germline. Not counted in ClinVar's aggregate classification.

OMIM
Classification: Pathogenic for NEUROFIBROMATOSIS, TYPE I. Last evaluated: 1998-07-01. Review status: no assertion criteria provided. Collection method: literature only. Allele origin: germline. Not counted in ClinVar's aggregate classification.

Literature cited by the submitters: PubMed 9180088 (cited by OMIM); PubMed 9639526 (cited by OMIM).